The following is an entry in ClinVar:

ClinVar aggregate classification (germline): Benign. Review status: criteria provided, multiple submitters, no conflicts (2 of 4 stars). 12 submissions from 11 submitters: Benign (8). 4 of the submissions do not count toward it. Last evaluated 2026-02-02.

Conditions:
Autosomal recessive ataxia, Beauce type. Also called: Spinocerebellar ataxia, autosomal recessive 8; ATAXIA, RECESSIVE, OF BEAUCE; SYNE1-Related Autosomal Recessive Cerebellar Ataxia; SYNE1 Deficiency. Identifiers: Orphanet 88644, MedGen C1853116, MONDO:0012549, OMIM 610743.
Emery-Dreifuss muscular dystrophy 4, autosomal dominant (EDMD4). Also called: EMERY-DREIFUSS MUSCULAR DYSTROPHY 4 WITH VARIABLE FEATURES. Identifiers: Orphanet 261, MedGen C2751807, MONDO:0013071, OMIM 612998.

Allele frequency attached by ClinVar (database versions not stated): TOPMed 0.08746; ExAC 0.11816; 1000 Genomes Project 30x 0.07308; gnomAD 0.10350 and 0.10318; gnomAD exomes 0.13650 and 0.11458; 1000 Genomes Project 0.07688; ESP Exome Variant Server 0.10411.
gnomAD v4.1: 214,076 of 1,614,114 alleles (13%); highest among the groups gnomAD compares: Non-Finnish European, 15%; 15,499 homozygotes.

Submissions (12):

Labcorp Genetics (formerly Invitae), Labcorp
Classification: Benign for Emery-Dreifuss muscular dystrophy 4, autosomal dominant; Autosomal recessive ataxia, Beauce type. Last evaluated: 2026-02-02. Review status: criteria provided, single submitter. Criteria: Invitae Variant Classification Sherloc (09022015). Collection method: clinical testing. Allele origin: germline.

Blueprint Genetics
Classification: Benign. Last evaluated: 2024-11-26. Review status: criteria provided, single submitter. Criteria: ACMG Guidelines, 2015. Collection method: clinical testing. Allele origin: germline.

Athena Diagnostics
Classification: Benign. Last evaluated: 2018-11-02. Review status: criteria provided, single submitter. Criteria: Athena Diagnostics Criteria. Collection method: clinical testing. Allele origin: germline.

Illumina Laboratory Services, Illumina
Classification: Benign for Autosomal recessive ataxia, Beauce type. Last evaluated: 2018-01-12. Review status: criteria provided, single submitter. Criteria: ICSL Variant Classification Criteria 13 December 2019. Collection method: clinical testing. Allele origin: germline.
Comment: This variant was observed in the ICSL laboratory as part of a predisposition screen in an ostensibly healthy population. It had not been previously curated by ICSL or reported in the Human Gene Mutation Database (HGMD: prior to June 1st, 2018), and was therefore a candidate for classification through an automated scoring system. Utilizing variant allele frequency, disease prevalence and penetrance estimates, and inheritance mode, an automated score was calculated to assess if this variant is too frequent to cause the disease. Based on the score and internal cut-off values, a variant classified as benign is not then subjected to further curation. The score for this variant resulted in a classification of benign for this disease.

Illumina Laboratory Services, Illumina
Classification: Benign for Emery-Dreifuss muscular dystrophy 4, autosomal dominant. Last evaluated: 2018-01-12. Review status: criteria provided, single submitter. Criteria: ICSL Variant Classification Criteria 13 December 2019. Collection method: clinical testing. Allele origin: germline.
Comment: the same text as in the submission from Illumina Laboratory Services, Illumina above.

Mayo Clinic Laboratories, Mayo Clinic
Classification: Benign. Last evaluated: 2017-07-24. Review status: criteria provided, single submitter. Criteria: ACMG Guidelines, 2015. Collection method: clinical testing. Allele origin: germline. Observed: 245 variant alleles.

GeneDx
Classification: Benign. Last evaluated: 2016-02-10. Review status: criteria provided, single submitter. Criteria: GeneDx Variant Classification (06012015). Collection method: clinical testing. Allele origin: germline. Affected: yes.
Comment: This variant is considered likely benign or benign based on one or more of the following criteria: it is a conservative change, it occurs at a poorly conserved position in the protein, it is predicted to be benign by multiple in silico algorithms, and/or has population frequency not consistent with disease.

PreventionGenetics, part of Exact Sciences
Classification: Benign. Review status: criteria provided, single submitter. Criteria: ACMG Guidelines, 2015. Collection method: clinical testing. Allele origin: germline.

Clinical Genetics DNA and cytogenetics Diagnostics Lab, Erasmus MC, Erasmus Medical Center
Classification: Benign. Review status: no assertion criteria provided. Collection method: clinical testing. Allele origin: germline. Affected: yes. Study: VKGL Data-share Consensus. Not counted in ClinVar's aggregate classification.

Clinical Genetics, Academic Medical Center
Classification: Benign. Review status: no assertion criteria provided. Collection method: clinical testing. Allele origin: germline. Affected: yes. Study: VKGL Data-share Consensus. Not counted in ClinVar's aggregate classification.

Genetic Services Laboratory, University of Chicago
Classification: Likely benign for AllHighlyPenetrant. Review status: no assertion criteria provided. Collection method: clinical testing. Allele origin: germline. Inheritance: Autosomal dominant inheritance. Not counted in ClinVar's aggregate classification.
Comment: Likely benign based on allele frequency in 1000 Genomes Project or ESP global frequency and its presence in a patient with a rare or unrelated disease phenotype. NOT Sanger confirmed.

Joint Genome Diagnostic Labs from Nijmegen and Maastricht, Radboudumc and MUMC+
Classification: Benign. Review status: no assertion criteria provided. Collection method: clinical testing. Allele origin: germline. Affected: yes. Study: VKGL Data-share Consensus. Not counted in ClinVar's aggregate classification.

NM_182961.4(SYNE1):c.26221C>A (p.Leu8741Met)

Genes: ESR1 (estrogen receptor 1; plus strand), SYNE1 (spectrin repeat containing nuclear envelope protein 1; minus strand). Cytogenetic location: 6q25.2.
Variant type: single nucleotide variant.
Coding change: c.26221C>A on transcript NM_182961.4 (MANE Select); coding-DNA position 26221, C replaced by A.
Protein change: p.Leu8741Met; replaces leucine 8741 with methionine.
Molecular consequence: missense variant. On other transcripts: 3 prime UTR variant (1), intron variant (1).
Genome position (GRCh38, 1-based): chr6:152,122,609, G>T on the plus strand (C>A on the coding strand, the complement: SYNE1 is on the minus strand). VCF-style: chr6-152122609-G-T. GRCh37 (hg19) VCF-style: chr6-152443744-G-T.
Other names: p.Leu8693Met; c.*32C>A (NM_001347701.2); c.2755C>A, p.Leu919Met (NM_001347702.2); c.26077C>A, p.Leu8693Met (NM_033071.5); c.851-2657G>T (NM_001328100.2); short protein forms L8693M, L8741M, L919M.
Identifiers: ClinVar variation 130436 (VCV000130436.26), dbSNP rs2295190, ClinGen allele CA155452.